The following is an entry in ClinVar:

ClinVar aggregate classification (germline): Uncertain significance (1 of 4 stars; one submission).

Conditions:
Hypertrophic cardiomyopathy 14. Identifiers: MedGen C2750467, MONDO:0013197, OMIM 613251.

Submission:

Labcorp Genetics (formerly Invitae), Labcorp
Classification: Uncertain significance for Hypertrophic cardiomyopathy 14. Last evaluated: 2020-05-21. Review status: criteria provided, single submitter. Criteria: Invitae Variant Classification Sherloc (09022015). Collection method: clinical testing. Allele origin: germline.
Comment: In summary, the available evidence is currently insufficient to determine the role of this variant in disease. Therefore, it has been classified as a Variant of Uncertain Significance. Algorithms developed to predict the effect of missense changes on protein structure and function are either unavailable or do not agree on the potential impact of this missense change (SIFT: "Deleterious"; PolyPhen-2: "Possibly Damaging"; Align-GVGD: "Class C0"). This variant has not been reported in the literature in individuals with MYH6-related conditions. This variant is not present in population databases (ExAC no frequency). This sequence change replaces glutamic acid with glycine at codon 1464 of the MYH6 protein (p.Glu1464Gly). The glutamic acid residue is moderately conserved and there is a moderate physicochemical difference between glutamic acid and glycine.

NM_002471.4(MYH6):c.4391A>G (p.Glu1464Gly)

Gene: MYH6 (myosin heavy chain 6; minus strand). Cytogenetic location: 14q11.2.
Variant type: single nucleotide variant.
Coding change: c.4391A>G on transcript NM_002471.4 (MANE Select); coding-DNA position 4391, A replaced by G.
Protein change: p.Glu1464Gly; replaces glutamic acid 1464 with glycine.
Molecular consequence: missense variant.
Genome position (GRCh38, 1-based): chr14:23,387,892, T>C on the plus strand (A>G on the coding strand, the complement: MYH6 is on the minus strand). VCF-style: chr14-23387892-T-C. GRCh37 (hg19) VCF-style: chr14-23857101-T-C.
Other names: short protein forms E1464G.
Identifiers: ClinVar variation 1041584 (VCV001041584.8), dbSNP rs370412856, ClinGen allele CA388997899.